The following is an entry in ClinVar:

ClinVar aggregate classification (germline): Uncertain significance (1 of 4 stars; one submission).

Conditions:
Idiopathic generalized epilepsy. Also called: Generalised epilepsy; EIG. Identifiers: MedGen C0270850, MONDO:0005579, OMIM 600669.
Hyperaldosteronism, familial, type IV (HALD4). Also called: FH IV; ALDOSTERONISM, PRIMARY, AND HYPERTENSION. Identifiers: Orphanet 642671, MedGen C4310756, MONDO:0014875, OMIM 617027.

Allele frequency attached by ClinVar (database versions not stated): gnomAD 0.00001; ExAC 0.00002; 1000 Genomes Project 30x 0.00016; 1000 Genomes Project 0.00020.

Submission:

Labcorp Genetics (formerly Invitae), Labcorp
Classification: Uncertain significance for Idiopathic generalized epilepsy; Hyperaldosteronism, familial, type IV. Last evaluated: 2022-02-05. Review status: criteria provided, single submitter. Criteria: Invitae Variant Classification Sherloc (09022015). Collection method: clinical testing. Allele origin: germline.
Comment: In summary, the available evidence is currently insufficient to determine the role of this variant in disease. Therefore, it has been classified as a Variant of Uncertain Significance. Algorithms developed to predict the effect of missense changes on protein structure and function (SIFT, PolyPhen-2, Align-GVGD) all suggest that this variant is likely to be disruptive. This variant has not been reported in the literature in individuals affected with CACNA1H-related conditions. This sequence change replaces alanine, which is neutral and non-polar, with valine, which is neutral and non-polar, at codon 1764 of the CACNA1H protein (p.Ala1764Val). The frequency data for this variant in the population databases is considered unreliable, as metrics indicate poor data quality at this position in the gnomAD database.

NM_021098.3(CACNA1H):c.5291C>T (p.Ala1764Val)

Gene: CACNA1H (calcium voltage-gated channel subunit alpha1 H; plus strand). Cytogenetic location: 16p13.3.
Variant type: single nucleotide variant.
Coding change: c.5291C>T on transcript NM_021098.3 (MANE Select); coding-DNA position 5291, C replaced by T.
Protein change: p.Ala1764Val; replaces alanine 1764 with valine.
Molecular consequence: missense variant.
Genome position (GRCh38, 1-based): chr16:1,216,978, C>T. VCF-style: chr16-1216978-C-T. GRCh37 (hg19) VCF-style: chr16-1266978-C-T.
Other names: c.5273C>T, p.Ala1758Val (NM_001005407.2); short protein forms A1764V, A1758V.
Identifiers: ClinVar variation 1405867 (VCV001405867.8), dbSNP rs200775729, ClinGen allele CA7801937.